The following is an entry in ClinVar:

NM_031935.3(HMCN1):c.16010T>G (p.Phe5337Cys)

Gene: HMCN1 (hemicentin 1; plus strand). Cytogenetic location: 1q31.1.
Variant type: single nucleotide variant.
Coding change: c.16010T>G on transcript NM_031935.3 (MANE Select); coding-DNA position 16010, T replaced by G.
Protein change: p.Phe5337Cys; replaces phenylalanine 5337 with cysteine.
Molecular consequence: missense variant.
Genome position (GRCh38, 1-based): chr1:186,178,482, T>G. VCF-style: chr1-186178482-T-G. GRCh37 (hg19) VCF-style: chr1-186147614-T-G.
Other names: short protein forms F5337C.
Identifiers: ClinVar variation 1520636 (VCV001520636.6), dbSNP rs2102655079, ClinGen allele CA343937211.

ClinVar aggregate classification (germline): Uncertain significance (1 of 4 stars; one submission).

Allele frequency attached by ClinVar (database versions not stated): gnomAD exomes below 0.00001.
gnomAD v4.1: 2 of 1,614,124 alleles (0.00012%); highest among the groups gnomAD compares: Non-Finnish European, 0.000085%; no homozygotes.

Submission:

Labcorp Genetics (formerly Invitae), Labcorp
Classification: Uncertain significance. Last evaluated: 2022-12-24. Review status: criteria provided, single submitter. Criteria: Invitae Variant Classification Sherloc (09022015). Collection method: clinical testing. Allele origin: germline.
Comment: In summary, the available evidence is currently insufficient to determine the role of this variant in disease. Therefore, it has been classified as a Variant of Uncertain Significance. Algorithms developed to predict the effect of missense changes on protein structure and function (SIFT, PolyPhen-2, Align-GVGD) all suggest that this variant is likely to be disruptive. ClinVar contains an entry for this variant (Variation ID: 1520636). This variant has not been reported in the literature in individuals affected with HMCN1-related conditions. This variant is not present in population databases (gnomAD no frequency). This sequence change replaces phenylalanine, which is neutral and non-polar, with cysteine, which is neutral and slightly polar, at codon 5337 of the HMCN1 protein (p.Phe5337Cys).